The following is an entry in ClinVar:

ClinVar aggregate classification (germline): Uncertain significance (1 of 4 stars; one submission).

Allele frequency attached by ClinVar (database versions not stated): gnomAD exomes below 0.00001; ExAC 0.00001.
gnomAD v4.1: 1 of 1,614,080 alleles (0.000062%); highest among the groups gnomAD compares: Middle Eastern, 0.016%; no homozygotes.

Submission:

Labcorp Genetics (formerly Invitae), Labcorp
Classification: Uncertain significance. Last evaluated: 2023-12-11. Review status: criteria provided, single submitter. Criteria: Invitae Variant Classification Sherloc (09022015). Collection method: clinical testing. Allele origin: germline.
Comment: This sequence change replaces isoleucine, which is neutral and non-polar, with valine, which is neutral and non-polar, at codon 111 of the COL18A1 protein (p.Ile111Val). This variant is present in population databases (rs760681216, gnomAD 0.006%). This variant has not been reported in the literature in individuals affected with COL18A1-related conditions. ClinVar contains an entry for this variant (Variation ID: 1431371). Experimental studies and prediction algorithms are not available or were not evaluated, and the functional significance of this variant is currently unknown. In summary, the available evidence is currently insufficient to determine the role of this variant in disease. Therefore, it has been classified as a Variant of Uncertain Significance.

NM_001379500.1(COL18A1):c.331A>G (p.Ile111Val)

Gene: COL18A1 (collagen type XVIII alpha 1 chain; plus strand). Cytogenetic location: 21q22.3.
Variant type: single nucleotide variant.
Coding change: c.331A>G on transcript NM_001379500.1 (MANE Select); coding-DNA position 331, A replaced by G.
Protein change: p.Ile111Val; replaces isoleucine 111 with valine.
Molecular consequence: missense variant.
Genome position (GRCh38, 1-based): chr21:45,468,466, A>G. VCF-style: chr21-45468466-A-G. GRCh37 (hg19) VCF-style: chr21-46888380-A-G.
Other names: c.871A>G, p.Ile291Val (NM_030582.4); c.1576A>G, p.Ile526Val (NM_130444.3); short protein forms I111V, I291V, I526V.
Identifiers: ClinVar variation 1431371 (VCV001431371.6), dbSNP rs760681216, ClinGen allele CA10065722.
Genomic context (GRCh38, chr21:45,468,466, plus strand): 5'-GACTTCTCACTGCTGTTCCACATCCGGCCAGCCACAGAGGGCCCAGGGGTGCTGTTCGCC[A>G]TCACGGACTCGGCGCAGGCCATGGTCTTGCTGGGCGTGAAGCTCTCTGGGGTGCAGGACG-3'
Protein context (NP_001366429.1, residues 101-121): ATEGPGVLFA[Ile111Val]TDSAQAMVLL